The following is an entry in ClinVar:

NM_006158.5(NEFL):c.819G>T (p.Met273Ile)

Gene: NEFL (neurofilament light chain; minus strand). Cytogenetic location: 8p21.2.
Variant type: single nucleotide variant.
Coding change: c.819G>T on transcript NM_006158.5 (MANE Select); coding-DNA position 819, G replaced by T.
Protein change: p.Met273Ile; replaces methionine 273 with isoleucine.
Molecular consequence: missense variant.
Genome position (GRCh38, 1-based): chr8:24,955,697, C>A on the plus strand (G>T on the coding strand, the complement: NEFL is on the minus strand). VCF-style: chr8-24955697-C-A. GRCh37 (hg19) VCF-style: chr8-24813211-C-A.
Other names: short protein forms M273I.
Identifiers: ClinVar variation 3713208 (VCV003713208.2).

ClinVar aggregate classification (germline): Uncertain significance (1 of 4 stars; one submission).

Conditions:
Charcot-Marie-Tooth disease type 2E (CMT2E). Also called: CHARCOT-MARIE-TOOTH DISEASE, AXONAL, TYPE 2E; CHARCOT-MARIE-TOOTH NEUROPATHY, TYPE 2E. Identifiers: Orphanet 99939, MedGen C1843225, MONDO:0011894, OMIM 607684.

gnomAD v4.1: 1 of 1,613,932 alleles (0.000062%); highest among the groups gnomAD compares: Non-Finnish European, 0.000085%; no homozygotes.

Submission:

Labcorp Genetics (formerly Invitae), Labcorp
Classification: Uncertain significance for Charcot-Marie-Tooth disease type 2E. Last evaluated: 2024-05-20. Review status: criteria provided, single submitter. Criteria: Invitae Variant Classification Sherloc (09022015). Collection method: clinical testing. Allele origin: germline.
Comment: This sequence change replaces methionine, which is neutral and non-polar, with isoleucine, which is neutral and non-polar, at codon 273 of the NEFL protein (p.Met273Ile). This variant is not present in population databases (gnomAD no frequency). This variant has not been reported in the literature in individuals affected with NEFL-related conditions. Advanced modeling of protein sequence and biophysical properties (such as structural, functional, and spatial information, amino acid conservation, physicochemical variation, residue mobility, and thermodynamic stability) performed at Invitae indicates that this missense variant is not expected to disrupt NEFL protein function with a negative predictive value of 80%. In summary, the available evidence is currently insufficient to determine the role of this variant in disease. Therefore, it has been classified as a Variant of Uncertain Significance.